The following is an entry in ClinVar:

NM_001346249.2(RALGAPA1):c.1299A>G (p.Val433=)

Gene: RALGAPA1 (Ral GTPase activating protein catalytic subunit alpha 1; minus strand). Cytogenetic location: 14q13.2.
Variant type: single nucleotide variant.
Coding change: c.1299A>G on transcript NM_001346249.2 (MANE Select); coding-DNA position 1299, A replaced by G.
Protein change: p.Val433=; no amino-acid change (valine 433 retained).
Molecular consequence: synonymous variant.
Genome position (GRCh38, 1-based): chr14:35,742,518, T>C on the plus strand (A>G on the coding strand, the complement: RALGAPA1 is on the minus strand). VCF-style: chr14-35742518-T-C. GRCh37 (hg19) VCF-style: chr14-36211724-T-C.
Other names: c.1299A>G, p.Val433= (NM_001283043.3, NM_001283044.3, NM_001330075.3 and 7 more transcripts).
Identifiers: ClinVar variation 2644177 (VCV002644177.24), dbSNP rs2550632886, ClinGen allele CA486030532.
Genomic context (GRCh38, chr14:35,742,518, plus strand): 5'-TTCAGGCTCTTGCATGAACAAAGGTTTTTCCTCTTGTTGGATCCATTCTTGATATACTTT[T>C]ACCACTTTTCTCATAGCTGCTGCTTCACAAATTGGTAATAAAAATGCCTAGGGAAAAAAA-3'
Protein context (NP_001333178.1, residues 423-443): ICEAAAMRKV[Val433=]KVYQEWIQQE

ClinVar aggregate classification (germline): Likely benign (1 of 4 stars; one submission).

Submission:

CeGaT Center for Human Genetics Tuebingen
Classification: Likely benign. Last evaluated: 2023-10-01. Review status: criteria provided, single submitter. Criteria: CeGaT Center For Human Genetics Tuebingen Variant Classification Criteria Version 2. Collection method: clinical testing. Allele origin: germline. Affected: yes. Observed: 1 variant allele.
Comment: RALGAPA1: PM2:Supporting, BP4, BP7